The following is an entry in ClinVar:

NM_032043.3(BRIP1):c.849T>G (p.Cys283Trp)

Gene: BRIP1 (BRCA1 interacting DNA helicase 1; minus strand). Cytogenetic location: 17q23.2.
Variant type: single nucleotide variant.
Coding change: c.849T>G on transcript NM_032043.3 (MANE Select); coding-DNA position 849, T replaced by G.
Protein change: p.Cys283Trp; replaces cysteine 283 with tryptophan.
Molecular consequence: missense variant.
Genome position (GRCh38, 1-based): chr17:61,808,536, A>C on the plus strand (T>G on the coding strand, the complement: BRIP1 is on the minus strand). VCF-style: chr17-61808536-A-C. GRCh37 (hg19) VCF-style: chr17-59885897-A-C.
Other names: short protein forms C283W.
Identifiers: ClinVar variation 2564579 (VCV002564579.2), dbSNP rs2145413762, ClinGen allele CA400484785.

ClinVar aggregate classification (germline): Uncertain significance (1 of 4 stars; one submission).

Conditions:
Hereditary cancer-predisposing syndrome. Also called: Neoplastic Syndromes, Hereditary; Hereditary Cancer Syndrome; Hereditary neoplastic syndrome; Tumor predisposition. Identifiers: Orphanet 140162, MedGen C0027672, MeSH D009386, MONDO:0015356.

Submission:

Ambry Genetics
Classification: Uncertain significance for Hereditary cancer-predisposing syndrome. Last evaluated: 2023-03-23. Review status: criteria provided, single submitter. Criteria: Ambry Variant Classification Scheme 2023. Collection method: clinical testing. Allele origin: germline.
Comment: The p.C283W variant (also known as c.849T>G), located in coding exon 6 of the BRIP1 gene, results from a T to G substitution at nucleotide position 849. The cysteine at codon 283 is replaced by tryptophan, an amino acid with highly dissimilar properties. This amino acid position is conserved. In addition, this alteration is predicted to be deleterious by in silico analysis. Since supporting evidence is limited at this time, the clinical significance of this alteration remains unclear.